The following is an entry in ClinVar:

ClinVar aggregate classification (germline): Uncertain significance (1 of 4 stars; one submission).

Conditions:
Loeys-Dietz syndrome 2 (LDS2). Also called: Marfan Syndrome type 2; Marfan like connective tissue disorder; MFS 2; AORTIC ANEURYSM, FAMILIAL THORACIC 3; MARFAN SYNDROME, TYPE II; TGFBR2-Related Loeys-Dietz Syndrome. Identifiers: Orphanet 284973, Orphanet 558, MedGen C2674574, MONDO:0012427, OMIM 610168.

Submission:

Labcorp Genetics (formerly Invitae), Labcorp
Classification: Uncertain significance for Loeys-Dietz syndrome 2. Last evaluated: 2023-10-22. Review status: criteria provided, single submitter. Criteria: Invitae Variant Classification Sherloc (09022015). Collection method: clinical testing. Allele origin: germline.
Comment: This sequence change replaces alanine, which is neutral and non-polar, with valine, which is neutral and non-polar, at codon 95 of the TMPO protein (p.Ala95Val). This variant is not present in population databases (gnomAD no frequency). This variant has not been reported in the literature in individuals affected with TMPO-related conditions. An algorithm developed to predict the effect of missense changes on protein structure and function (PolyPhen-2) suggests that this variant is likely to be disruptive. In summary, the available evidence is currently insufficient to determine the role of this variant in disease. Therefore, it has been classified as a Variant of Uncertain Significance.

NM_001032283.3(TMPO):c.284C>T (p.Ala95Val)

Gene: TMPO (thymopoietin; plus strand). Cytogenetic location: 12q23.1.
Variant type: single nucleotide variant.
Coding change: c.284C>T on transcript NM_001032283.3 (MANE Select); coding-DNA position 284, C replaced by T.
Protein change: p.Ala95Val; replaces alanine 95 with valine.
Molecular consequence: missense variant.
Genome position (GRCh38, 1-based): chr12:98,527,890, C>T. VCF-style: chr12-98527890-C-T. GRCh37 (hg19) VCF-style: chr12-98921668-C-T.
Other names: c.284C>T, p.Ala95Val (NM_001032284.3, NM_001307975.2, NM_003276.2); short protein forms A95V.
Identifiers: ClinVar variation 2748838 (VCV002748838.3), dbSNP rs1565808154, ClinGen allele CA386150702.
Genomic context (GRCh38, chr12:98,527,890, plus strand): 5'-TCTAGTAAGTGAACACTTTAATTCATATGGAAATGATTACTGGACTTTGTTTACAGAAAG[C>T]CACAAAAAAAACTGATAAACCCAGACAAGAAGATAAAGATGATCTAGATGTAACAGAGCT-3'
Protein context (NP_001027454.1, residues 85-105): GRSRAAVGRK[Ala95Val]TKKTDKPRQE